The following is an entry in ClinVar:

ClinVar aggregate classification (germline): Uncertain significance (1 of 4 stars; one submission).

gnomAD v4.1: 3 of 1,613,000 alleles (0.00019%); highest among the groups gnomAD compares: Non-Finnish European, 0.00025%; no homozygotes.

Submission:

Women's Health and Genetics/Laboratory Corporation of America, LabCorp
Classification: Uncertain significance. Last evaluated: 2025-10-15. Review status: criteria provided, single submitter. Criteria: LabCorp Variant Classification Summary - May 2015. Collection method: clinical testing. Allele origin: germline.
Comment: Variant summary: ALX4 c.1025G>A (p.Gly342Glu) results in a non-conservative amino acid change in the encoded protein sequence. Algorithms developed to predict the effect of missense changes on protein structure and function are either unavailable or do not agree on the potential impact of this missense change. The variant was absent in 248594 control chromosomes. The available data on variant occurrences in the general population are insufficient to allow any conclusion about variant significance. To our knowledge, no occurrence of c.1025G>A in individuals affected with ALX4-related conditions and no experimental evidence demonstrating its impact on protein function have been reported. No submitters have cited clinical-significance assessments for this variant to ClinVar. Based on the evidence outlined above, the variant was classified as uncertain significance.

NM_021926.4(ALX4):c.1025G>A (p.Gly342Glu)

Gene: ALX4 (ALX homeobox 4; minus strand). Cytogenetic location: 11p11.2.
Variant type: single nucleotide variant.
Coding change: c.1025G>A on transcript NM_021926.4 (MANE Select); coding-DNA position 1025, G replaced by A.
Protein change: p.Gly342Glu; replaces glycine 342 with glutamic acid.
Molecular consequence: missense variant.
Genome position (GRCh38, 1-based): chr11:44,265,065, C>T on the plus strand (G>A on the coding strand, the complement: ALX4 is on the minus strand). VCF-style: chr11-44265065-C-T. GRCh37 (hg19) VCF-style: chr11-44286615-C-T.
Other names: short protein forms G342E.
Identifiers: ClinVar variation 4687278 (VCV004687278.1).